The following is an entry in ClinVar:

NM_001256007.3(PNPLA8):c.291G>T (p.Val97=)

Gene: PNPLA8 (patatin like domain 8, phospholipase A2; minus strand). Cytogenetic location: 7q31.1.
Variant type: single nucleotide variant.
Coding change: c.291G>T on transcript NM_001256007.3 (MANE Select); coding-DNA position 291, G replaced by T.
Protein change: p.Val97=; no amino-acid change (valine 97 retained).
Molecular consequence: synonymous variant. On other transcripts: 5 prime UTR variant (2).
Genome position (GRCh38, 1-based): chr7:108,515,201, C>A on the plus strand (G>T on the coding strand, the complement: PNPLA8 is on the minus strand). VCF-style: chr7-108515201-C-A. GRCh37 (hg19) VCF-style: chr7-108155645-C-A.
Other names: c.291G>T, p.Val97= (NM_001256008.3, NM_001256009.3, NM_015723.5); c.-10G>T (NM_001256010.3, NM_001256011.3).
Identifiers: ClinVar variation 3387909 (VCV003387909.14).

ClinVar aggregate classification (germline): Likely benign (1 of 4 stars; one submission).

Submission:

CeGaT Center for Human Genetics Tuebingen
Classification: Likely benign. Last evaluated: 2024-10-01. Review status: criteria provided, single submitter. Criteria: CeGaT Center For Human Genetics Tuebingen Variant Classification Criteria Version 2. Collection method: clinical testing. Allele origin: germline. Affected: yes. Observed: 1 variant allele.
Comment: PNPLA8: PM2:Supporting, BP4, BP7